The following is an entry in ClinVar:

ClinVar aggregate classification (germline): Likely benign. Review status: criteria provided, multiple submitters, no conflicts (2 of 4 stars). 3 submissions from 3 submitters: Likely benign (2). 1 of the submissions does not count toward it. Last evaluated 2023-06-29.

Conditions:
PKLR-related disorder. Also called: PKLR-related condition.

Allele frequency attached by ClinVar (database versions not stated): gnomAD 0.00001; TOPMed 0.00001; ExAC 0.00002; gnomAD exomes 0.00003.
gnomAD v4.1: 82 of 1,614,032 alleles (0.0051%); highest among the groups gnomAD compares: Non-Finnish European, 0.0067%; no homozygotes.

Submissions (3):

Blueprint Genetics
Classification: Likely benign. Last evaluated: 2023-06-29. Review status: criteria provided, single submitter. Criteria: ACMG Guidelines, 2015. Collection method: clinical testing. Allele origin: germline.

Labcorp Genetics (formerly Invitae), Labcorp
Classification: Likely benign. Last evaluated: 2022-09-06. Review status: criteria provided, single submitter. Criteria: Invitae Variant Classification Sherloc (09022015). Collection method: clinical testing. Allele origin: germline.

PreventionGenetics, part of Exact Sciences
Classification: Likely benign for PKLR-related condition. Last evaluated: 2023-06-20. Review status: no assertion criteria provided. Collection method: clinical testing. Allele origin: germline. Not counted in ClinVar's aggregate classification.
Comment: This variant is classified as likely benign based on ACMG/AMP sequence variant interpretation guidelines (Richards et al. 2015 PMID: 25741868, with internal and published modifications).

NM_000298.6(PKLR):c.627G>C (p.Arg209=)

Gene: PKLR (pyruvate kinase L/R; minus strand). Cytogenetic location: 1q22.
Variant type: single nucleotide variant.
Coding change: c.627G>C on transcript NM_000298.6 (MANE Select); coding-DNA position 627, G replaced by C.
Protein change: p.Arg209=; no amino-acid change (arginine 209 retained).
Molecular consequence: synonymous variant.
Genome position (GRCh38, 1-based): chr1:155,295,183, C>G on the plus strand (G>C on the coding strand, the complement: PKLR is on the minus strand). VCF-style: chr1-155295183-C-G. GRCh37 (hg19) VCF-style: chr1-155264974-C-G.
Other names: c.627G>C (NM_000298.5); c.534G>C, p.Arg178= (NM_181871.4).
Identifiers: ClinVar variation 1668231 (VCV001668231.11), dbSNP rs749332866, ClinGen allele CA1144270.
Genomic context (GRCh38, chr1:155,295,183, plus strand): 5'-CTGGACCACTAGGGAGATGAGCCCGTCGTCAATGTAGATGCGGCCCCCCACCGGCACGAC[C>G]CGGACAATATTGGGGTAGTCCACCCACACGGTGTTCGCGTTCCCCCGCGTCCGGAACGCG-3'
Protein context (NP_000289.1, residues 199-219): TVWVDYPNIV[Arg209=]VVPVGGRIYI